The following is an entry in ClinVar:

ClinVar aggregate classification (germline): Pathogenic/Likely pathogenic. Review status: criteria provided, multiple submitters, no conflicts (2 of 4 stars). 2 submissions from 2 submitters: Pathogenic (1); Likely pathogenic (1). Last evaluated 2024-07-30.

Conditions:
Nemaline myopathy 2 (NEM2). Also called: Nemaline myopathy 2, autosomal recessive. Identifiers: MedGen C1850569, MONDO:0009725, OMIM 256030.

Submissions (2):

Natera, Inc.
Classification: Likely pathogenic for Nemaline myopathy type 2. Last evaluated: 2024-07-30. Review status: criteria provided, single submitter. Criteria: Natera Variant Classification Schema (03/2026). Collection method: clinical testing. Allele origin: germline.
Comment: The c.13773C>A variant in NEB is a nonsense variant predicted to introduce a stop codon at amino acid 4591. This variant is expected to result in nonsense mediated decay, truncation, or a dysfunctional protein product. This variant is rare in the general population with a frequency below the threshold expected for the associated phenotype(s). Given the available evidence, this variant is classified as Likely Pathogenic.

Labcorp Genetics (formerly Invitae), Labcorp
Classification: Pathogenic for Nemaline myopathy 2. Last evaluated: 2021-12-01. Review status: criteria provided, single submitter. Criteria: Invitae Variant Classification Sherloc (09022015). Collection method: clinical testing. Allele origin: germline.
Comment: For these reasons, this variant has been classified as Pathogenic. ClinVar contains an entry for this variant (Variation ID: 656253). This variant has not been reported in the literature in individuals affected with NEB-related conditions. The frequency data for this variant in the population databases (gnomAD) is considered unreliable due to the presence of homologous sequence, such as pseudogenes or paralogs, in the genome. This sequence change creates a premature translational stop signal (p.Tyr4591*) in the NEB gene. It is expected to result in an absent or disrupted protein product. Loss-of-function variants in NEB are known to be pathogenic (PMID: 25205138). This variant occurs in a region of NEB (Exons 82-105) consisting of three highly homologous 8-exon repeat units (exons 82-89, exons 90-97, exons 98-105). Sequence variants in this region can be detected, but this assay cannot determine which of the three repeat units is affected, and zygosity is often ambiguous. All variants in this region are reported relative to the exon 82-89 repeat.

Literature cited by the submitters: PubMed 25205138 (cited by Labcorp Genetics (formerly Invitae), Labcorp).

NM_001164508.2(NEB):c.13773C>A (p.Tyr4591Ter)

Gene: NEB (nebulin; minus strand). Cytogenetic location: 2q23.3.
Variant type: single nucleotide variant.
Coding change: c.13773C>A on transcript NM_001164508.2 (MANE Select); coding-DNA position 13773, C replaced by A.
Protein change: p.Tyr4591Ter; replaces tyrosine 4591 with a stop codon.
Molecular consequence: nonsense. On other transcripts: intron variant (1).
Genome position (GRCh38, 1-based): chr2:151,600,457, G>T on the plus strand (C>A on the coding strand, the complement: NEB is on the minus strand). VCF-style: chr2-151600457-G-T. GRCh37 (hg19) VCF-style: chr2-152456971-G-T.
Other names: c.13773C>A, p.Tyr4591Ter (NM_001164507.2, NM_001271208.2); c.11601+9352C>A (NM_004543.5); short protein forms Y4591*.
Identifiers: ClinVar variation 656253 (VCV000656253.7), dbSNP rs1553862114, ClinGen allele CA348768072.
Genomic context (GRCh38, chr2:151,600,457, plus strand): 5'-TCAGGCAAAGCAATGGGGGACTTGTTTCCTGGGGGACACACTTACGTCGCTCTGTAGGTC[G>T]TAGGCTTTCCTGGCTTGGATCACATCATTCTGGTCGGGAAAGCAAGACCAGTGGTGCAGG-3'